The following is an entry in ClinVar:

ClinVar aggregate classification (germline): Likely pathogenic (1 of 4 stars; one submission).

Conditions:
Retinitis pigmentosa 25 (RP25). Identifiers: Orphanet 791, MedGen C1864446, MONDO:0011272, OMIM 602772.

Submission:

SingHealth Duke-NUS Institute of Precision Medicine
Classification: Likely pathogenic for Retinitis pigmentosa 25. Last evaluated: 2025-02-05. Review status: criteria provided, single submitter. Criteria: PRISM ACMG Classification Criteria. Collection method: clinical testing. Allele origin: germline. Affected: yes.
Comment: Variant is predicted to cause nonsense-mediated decay in a gene where LOF is a known cause of pathogenicity (PVS1). Variant is not found in gnomAD exomes or genomes (PM2).

NM_001142800.2(EYS):c.5531del (p.Pro1844fs)

Gene: EYS (eyes shut homolog; minus strand). Cytogenetic location: 6q12.
Variant type: Deletion.
Coding change: c.5531del on transcript NM_001142800.2 (MANE Select); coding-DNA position 5531, one base deleted (C; older notation c.5531delC).
Protein change: p.Pro1844fs; shifts the reading frame from proline 1844.
Molecular consequence: frameshift variant.
Genome position (GRCh38, 1-based): chr6:64,590,336, G deleted on the plus strand (C on the coding strand, the reverse complement: EYS is on the minus strand); the first of 2 consecutive G bases (chr6:64,590,336-64,590,337); deleting either gives the same sequence. VCF-style (leftmost placement, unchanged base first): chr6-64590335-AG-A. GRCh37 (hg19) VCF-style: chr6-65300228-AG-A.
Other names: c.5531del, p.Pro1844fs (NM_001292009.2); short protein forms P1844fs.
Identifiers: ClinVar variation 3767375 (VCV003767375.1).